The following is an entry in ClinVar:

NM_002474.3(MYH11):c.3652-6C>T

Gene: MYH11 (myosin heavy chain 11; minus strand). Cytogenetic location: 16p13.11.
Variant type: single nucleotide variant.
Coding change: c.3652-6C>T on transcript NM_002474.3 (MANE Select); 6 bases into the intron before coding-DNA position 3652, C replaced by T.
Molecular consequence: intron variant.
Genome position (GRCh38, 1-based): chr16:15,727,060, G>A on the plus strand (C>T on the coding strand, the complement: MYH11 is on the minus strand). VCF-style: chr16-15727060-G-A. GRCh37 (hg19) VCF-style: chr16-15820917-G-A.
Other names: c.3652-6C>T (NM_022844.3); c.3673-6C>T (NM_001040114.2, NM_001040113.2).
Identifiers: ClinVar variation 36619 (VCV000036619.77), dbSNP rs193922630, ClinGen allele CA214159.

ClinVar aggregate classification (germline): Benign/Likely benign. Review status: criteria provided, multiple submitters, no conflicts (2 of 4 stars). 21 submissions from 20 submitters: Benign (8); Likely benign (7). 6 of the submissions do not count toward it. Last evaluated 2026-09-01.

Conditions:
Connective tissue disorder. Also called: Connective tissue disease. Identifiers: MedGen C0009782, MONDO:0003900.
Familial aortopathy. Identifiers: MedGen CN078214.
Familial thoracic aortic aneurysm and aortic dissection (TAAD). Also called: Thoracic aortic aneurysms and dissections. Identifiers: Orphanet 91387, MedGen C4707243, MONDO:0019625.
Aortic aneurysm, familial thoracic 6 (AAT6). Also called: FAMILIAL THORACIC AORTIC ANEURYSM WITH LIVEDO RETICULARIS AND IRIS FLOCCULI. Identifiers: MedGen C2673186, MONDO:0012730, OMIM 611788.
Aortic aneurysm, familial thoracic 4 (AAT4). Also called: AORTIC ANEURYSM/AORTIC DISSECTION AND PATENT DUCTUS ARTERIOSUS. Identifiers: MedGen C1851504, MONDO:0007568, OMIM 132900.

Allele frequency attached by ClinVar (database versions not stated): 1000 Genomes Project 0.00120; 1000 Genomes Project 30x 0.00125; ESP Exome Variant Server 0.00231; TOPMed 0.00201; ExAC 0.00260; gnomAD 0.00219.
gnomAD v4.1: 4,277 of 1,612,982 alleles (0.27%); highest among the groups gnomAD compares: Middle Eastern, 0.76%; 15 homozygotes.

Submissions (21):

CeGaT Center for Human Genetics Tuebingen
Classification: Likely benign. Last evaluated: 2026-09-01. Review status: criteria provided, single submitter. Criteria: CeGaT Center For Human Genetics Tuebingen Variant Classification Criteria Version 2. Collection method: clinical testing. Allele origin: germline. Affected: yes. Observed: 35 variant alleles.
Comment: MYH11: BP4, BS2

Molecular Diagnostic Laboratory for Inherited Cardiovascular Disease, Montreal Heart Institute
Classification: Benign. Last evaluated: 2026-03-27. Review status: criteria provided, single submitter. Criteria: ACMG Guidelines, 2015. Collection method: clinical testing. Allele origin: germline. Affected: no.

Labcorp Genetics (formerly Invitae), Labcorp
Classification: Benign for Aortic aneurysm, familial thoracic 4. Last evaluated: 2026-02-03. Review status: criteria provided, single submitter. Criteria: Invitae Variant Classification Sherloc (09022015). Collection method: clinical testing. Allele origin: germline.

ARUP Laboratories, Molecular Genetics and Genomics, ARUP Laboratories
Classification: Benign. Last evaluated: 2025-03-27. Review status: criteria provided, single submitter. Criteria: ARUP Molecular Germline Variant Investigation Process 2024. Collection method: clinical testing. Allele origin: germline.

Blueprint Genetics
Classification: Likely benign. Last evaluated: 2024-11-26. Review status: criteria provided, single submitter. Criteria: ACMG Guidelines, 2015. Collection method: clinical testing. Allele origin: germline.

All of Us Research Program, National Institutes of Health
Classification: Benign for Familial thoracic aortic aneurysm and aortic dissection. Last evaluated: 2024-02-05. Review status: criteria provided, single submitter. Criteria: ACMG Guidelines, 2015. Collection method: clinical testing. Allele origin: germline. Inheritance: Autosomal dominant inheritance. Observed: 608 variant alleles, 608 heterozygotes.
Comment: This study involves interpretation of variants in research participants for the purpose of population health screening. Participant phenotype was not available at the time of variant classification. Additional details can be found in publication PMID: 35346344, PMCID: PMC8962531

Color Diagnostics, LLC DBA Color Health
Classification: Benign for Familial thoracic aortic aneurysm and aortic dissection. Last evaluated: 2018-03-07. Review status: criteria provided, single submitter. Criteria: ACMG Guidelines, 2015. Collection method: clinical testing. Allele origin: germline.

Illumina Laboratory Services, Illumina
Classification: Likely benign for Aortic aneurysm, familial thoracic 4. Last evaluated: 2018-01-13. Review status: criteria provided, single submitter. Criteria: ICSL Variant Classification Criteria 13 December 2019. Collection method: clinical testing. Allele origin: germline.
Comment: This variant was observed in the ICSL laboratory as part of a predisposition screen in an ostensibly healthy population. It had not been previously curated by ICSL or reported in the Human Gene Mutation Database (HGMD: prior to June 1st, 2018), and was therefore a candidate for classification through an automated scoring system. Utilizing variant allele frequency, disease prevalence and penetrance estimates, and inheritance mode, an automated score was calculated to assess if this variant is too frequent to cause the disease. Based on the score and internal cut-off values, a variant classified as likely benign is not then subjected to further curation. The score for this variant resulted in a classification of likely benign for this disease.

CHEO Genetics Diagnostic Laboratory, Children's Hospital of Eastern Ontario
Classification: Likely benign for Familial thoracic aortic aneurysm and aortic dissection. Last evaluated: 2017-07-17. Review status: criteria provided, single submitter. Criteria: ACMG Guidelines, 2015. Collection method: clinical testing. Allele origin: germline. Study: Canadian Open Genetics Repository.

Center for Human Genetics, Inc
Classification: Likely benign for Connective tissue disorder. Last evaluated: 2016-11-01. Review status: criteria provided, single submitter. Criteria: ACMG Guidelines, 2015. Collection method: clinical testing. Allele origin: germline. Affected: yes.

Genome Diagnostics Laboratory, University Medical Center Utrecht
Classification: Benign for Aortic aneurysm, familial thoracic 4. Last evaluated: 2016-06-27. Review status: criteria provided, single submitter. Criteria: ACGS Guidelines, 2013. Collection method: clinical testing. Allele origin: germline. Affected: yes. Study: VKGL Data-share Consensus.

PreventionGenetics, part of Exact Sciences
Classification: Benign. Last evaluated: 2016-04-12. Review status: criteria provided, single submitter. Criteria: ACMG Guidelines, 2015. Collection method: clinical testing. Allele origin: germline.

CSER _CC_NCGL, University of Washington
Classification: Likely benign for Familial thoracic aortic aneurysm. Last evaluated: 2015-03-11. Review status: criteria provided, single submitter. Criteria: Amendola et al. (Genome Res. 2015). Collection method: research. Allele origin: germline. Inheritance: Autosomal dominant inheritance. Study: CSER - NEXT Medicine variant annotation.

GeneDx
Classification: Benign. Last evaluated: 2013-05-20. Review status: criteria provided, single submitter. Criteria: GeneDx Variant Classification (06012015). Collection method: clinical testing. Allele origin: germline. Affected: yes.
Comment: This variant is considered likely benign or benign based on one or more of the following criteria: it is a conservative change, it occurs at a poorly conserved position in the protein, it is predicted to be benign by multiple in silico algorithms, and/or has population frequency not consistent with disease.

Breakthrough Genomics
Classification: Likely benign. Review status: criteria provided, single submitter. Criteria: ACMG Guidelines, 2015. Collection method: not provided. Allele origin: germline. Inheritance: Autosomal recessive inheritance. Affected: yes.

Women's Health and Genetics/Laboratory Corporation of America, LabCorp
Classification: Benign for Familial aortopathy. Last evaluated: 2014-04-18. Review status: no assertion criteria provided. Collection method: clinical testing. Allele origin: germline. Not counted in ClinVar's aggregate classification.

Genome Diagnostics Laboratory, Amsterdam University Medical Center
Classification: Likely benign for Aortic aneurysm, familial thoracic 4. Last evaluated: 2014-02-04. Review status: no assertion criteria provided. Criteria: ACGS Guidelines, 2013. Collection method: clinical testing. Allele origin: germline. Affected: yes. Study: VKGL Data-share Consensus. Not counted in ClinVar's aggregate classification.

Clinical Genetics DNA and cytogenetics Diagnostics Lab, Erasmus MC, Erasmus Medical Center
Classification: Likely benign. Review status: no assertion criteria provided. Collection method: clinical testing. Allele origin: germline. Affected: yes. Study: VKGL Data-share Consensus. Not counted in ClinVar's aggregate classification.

Genome Diagnostics Laboratory, Amsterdam University Medical Center
Classification: Benign. Review status: no assertion criteria provided. Collection method: clinical testing. Allele origin: germline. Affected: yes. Study: VKGL Data-share Consensus. Not counted in ClinVar's aggregate classification.

Joint Genome Diagnostic Labs from Nijmegen and Maastricht, Radboudumc and MUMC+
Classification: Likely benign. Review status: no assertion criteria provided. Collection method: clinical testing. Allele origin: germline. Affected: yes. Study: VKGL Data-share Consensus. Not counted in ClinVar's aggregate classification.

Laboratory of Diagnostic Genome Analysis, Leiden University Medical Center (LUMC)
Classification: Likely benign. Review status: no assertion criteria provided. Collection method: clinical testing. Allele origin: germline. Affected: yes. Study: VKGL Data-share Consensus. Not counted in ClinVar's aggregate classification.